The following is an entry in ClinVar:

ClinVar aggregate classification (germline): Conflicting classifications of pathogenicity. Review status: criteria provided, conflicting classifications (1 of 4 stars). 7 submissions from 7 submitters: Uncertain significance (6); Benign (1). Last evaluated 2025-09-30.

Conditions:
Familial ovarian cancer. Identifiers: MedGen C5679802, MONDO:0016248.
Hereditary cancer-predisposing syndrome. Also called: Hereditary Cancer Syndrome; Neoplastic Syndromes, Hereditary; Tumor predisposition; Hereditary neoplastic syndrome. Identifiers: Orphanet 140162, MedGen C0027672, MeSH D009386, MONDO:0015356.
Breast-ovarian cancer, familial, susceptibility to, 3. Also called: RAD51C-Related Breast/Ovarian Cancer. Identifiers: Orphanet 145, MedGen C3150659, MONDO:0013253, OMIM 613399.
Fanconi anemia complementation group O. Also called: RAD51C-Related Fanconi Anemia. Identifiers: Orphanet 84, MedGen C3150653, MONDO:0013248, OMIM 613390.

Allele frequency attached by ClinVar (database versions not stated): gnomAD exomes 0.00001 and 0.00002; ExAC 0.00002.
gnomAD v4.1: 35 of 1,613,632 alleles (0.0022%); highest among the groups gnomAD compares: Non-Finnish European, 0.0029%; no homozygotes.

Submissions (7):

Ambry Genetics
Classification: Benign for Hereditary cancer-predisposing syndrome. Last evaluated: 2025-09-30. Review status: criteria provided, single submitter. Criteria: Ambry Variant Classification Scheme 2023. Collection method: clinical testing. Allele origin: germline.

Labcorp Genetics (formerly Invitae), Labcorp
Classification: Uncertain significance for Fanconi anemia complementation group O. Last evaluated: 2025-04-23. Review status: criteria provided, single submitter. Criteria: Invitae Variant Classification Sherloc (09022015). Collection method: clinical testing. Allele origin: germline.
Comment: This sequence change replaces alanine, which is neutral and non-polar, with valine, which is neutral and non-polar, at codon 354 of the RAD51C protein (p.Ala354Val). This variant is present in population databases (rs761770500, gnomAD 0.002%). This missense change has been observed in individual(s) with ovarian cancer (PMID: 26261251). ClinVar contains an entry for this variant (Variation ID: 185785). An algorithm developed to predict the effect of missense changes on protein structure and function (PolyPhen-2) suggests that this variant is likely to be tolerated. RNA analysis performed to evaluate the impact of this missense change on mRNA splicing indicates it does not significantly alter splicing (internal data). In summary, the available evidence is currently insufficient to determine the role of this variant in disease. Therefore, it has been classified as a Variant of Uncertain Significance.

Molecular Pathology, Peter Maccallum Cancer Centre
Classification: Uncertain significance for Familial ovarian cancer. Last evaluated: 2024-08-12. Review status: criteria provided, single submitter. Criteria: ACMG Guidelines, 2015. Collection method: clinical testing. Allele origin: germline. Inheritance: Autosomal dominant inheritance.

Baylor Genetics
Classification: Uncertain significance for Breast-ovarian cancer, familial, susceptibility to, 3. Last evaluated: 2024-02-21. Review status: criteria provided, single submitter. Criteria: ACMG Guidelines, 2015. Collection method: clinical testing. Allele origin: unknown.

Color Diagnostics, LLC DBA Color Health
Classification: Uncertain significance for Hereditary cancer-predisposing syndrome. Last evaluated: 2023-08-03. Review status: criteria provided, single submitter. Criteria: ACMG Guidelines, 2015. Collection method: clinical testing. Allele origin: germline.
Comment: This missense variant replaces alanine with valine at codon 354 of the RAD51C protein. Computational prediction suggests that this variant may not impact protein structure and function (internally defined REVEL score threshold <= 0.5, PMID: 27666373). To our knowledge, functional studies have not been performed for this variant. This variant has been reported in an individual affected with ovarian cancer (PMID 26261251). In a large breast cancer case-control study conducted by the BRIDGES consortium, this variant was reported in 3/60466 cases and 1/53461 unaffected controls (PMID: 33471991; Leiden Open Variation Database DB-ID RAD51C_000223). This variant has been identified in 2/250548 chromosomes in the general population by the Genome Aggregation Database (gnomAD). The available evidence is insufficient to determine the role of this variant in disease conclusively. Therefore, this variant is classified as a Variant of Uncertain Significance.

Sema4
Classification: Uncertain significance for Hereditary cancer-predisposing syndrome. Last evaluated: 2022-01-05. Review status: criteria provided, single submitter. Criteria: Sema4 Curation Guidelines. Collection method: curation. Allele origin: germline.
Comment: The RAD51C c.1061C>T (p.A354V) variant has been reported in heterozygosity in at least one individual with ovarian cancer (PMID: 26261251). It was also observed in a large breast cancer case control study in 3/60466 breast cancer cases and 1/53461 controls (PMID:33471991). It was observed in 2/113306 chromosomes of the Non-Finnish European subpopulation in the large and broad cohorts of the Genome Aggregation Database (PMID: 32461654). The variant has been reported in ClinVar (Variation ID 185785). In silico tools suggest the impact of the variant on protein function is benign, though these predictions have not been confirmed by functional studies. The evidence is insufficient to meet ACMG/AMP criteria for classifying the variant as benign or pathogenic. Thus, the clinical significance of this variant is currently uncertain.

GeneDx
Classification: Uncertain significance. Last evaluated: 2018-04-03. Review status: criteria provided, single submitter. Criteria: GeneDx Variant Classification (06012015). Collection method: clinical testing. Allele origin: germline. Affected: yes.
Comment: This variant is denoted RAD51C c.1061C>T at the cDNA level, p.Ala354Val (A354V) at the protein level, and results in the change of an Alanine to a Valine (GCA>GTA). This variant was observed in a patient with epithelial ovarian cancer (Song 2015). RAD51C Ala354Val was not observed at a significant allele frequency in large population cohorts (Lek 2016). This variant is located in the region of interaction with RAD51B, RAD51D, and XRCC3 (Miller 2004). In silico analysis, which includes protein predictors and evolutionary conservation, supports that this variant does not alter protein structure/function. Based on currently available evidence, it is unclear whether RAD51C Ala354Val is a pathogenic or benign variant. We consider it to be a variant of uncertain significance.

Literature cited by the submitters: PubMed 26261251 (cited by 3 submitters); PubMed 33471991 (cited by Color Diagnostics, LLC DBA Color Health and Sema4).

NM_058216.3(RAD51C):c.1061C>T (p.Ala354Val)

Gene: RAD51C (RAD51 paralog C; plus strand). Cytogenetic location: 17q22.
Variant type: single nucleotide variant.
Coding change: c.1061C>T on transcript NM_058216.3 (MANE Select); coding-DNA position 1061, C replaced by T.
Protein change: p.Ala354Val; replaces alanine 354 with valine.
Molecular consequence: missense variant. On other transcripts: non-coding transcript variant (1).
Genome position (GRCh38, 1-based): chr17:58,734,152, C>T. VCF-style: chr17-58734152-C-T. GRCh37 (hg19) VCF-style: chr17-56811513-C-T.
Other names: short protein forms A354V.
Identifiers: ClinVar variation 185785 (VCV000185785.27), dbSNP rs761770500, ClinGen allele CA192939.